The following is an entry in ClinVar:

ClinVar aggregate classification (germline): Uncertain significance (1 of 4 stars; one submission).

Conditions:
Inborn genetic diseases. Identifiers: MedGen C0950123, MeSH D030342.

Submission:

Ambry Genetics
Classification: Uncertain significance for Inborn genetic diseases. Last evaluated: 2025-04-05. Review status: criteria provided, single submitter. Criteria: Ambry Variant Classification Scheme 2023. Collection method: clinical testing. Allele origin: germline.
Comment: The p.S149N variant (also known as c.446G>A), located in coding exon 3 of the SBDS gene, results from a G to A substitution at nucleotide position 446. The serine at codon 149 is replaced by asparagine, an amino acid with highly similar properties. This amino acid position is conserved. In addition, the in silico prediction for this alteration is inconclusive. Based on the available evidence, the clinical significance of this variant remains unclear.

NM_016038.4(SBDS):c.446G>A (p.Ser149Asn)

Gene: SBDS (SBDS ribosome maturation factor; minus strand). Cytogenetic location: 7q11.21.
Variant type: single nucleotide variant.
Coding change: c.446G>A on transcript NM_016038.4 (MANE Select); coding-DNA position 446, G replaced by A.
Protein change: p.Ser149Asn; replaces serine 149 with asparagine.
Molecular consequence: missense variant.
Genome position (GRCh38, 1-based): chr7:66,993,230, C>T on the plus strand (G>A on the coding strand, the complement: SBDS is on the minus strand). VCF-style: chr7-66993230-C-T. GRCh37 (hg19) VCF-style: chr7-66458217-C-T.
Other names: short protein forms S149N.
Identifiers: ClinVar variation 3950294 (VCV003950294.1).